The following is an entry in ClinVar:

ClinVar aggregate classification (germline): Uncertain significance (1 of 4 stars; one submission).

Submission:

Women's Health and Genetics/Laboratory Corporation of America, LabCorp
Classification: Uncertain significance. Last evaluated: 2024-04-30. Review status: criteria provided, single submitter. Criteria: LabCorp Variant Classification Summary - May 2015. Collection method: clinical testing. Allele origin: germline.
Comment: Variant summary: PRKG1 c.322C>A (p.Leu108Ile) results in a conservative amino acid change located in the Cyclic nucleotide-binding domain (IPR000595) of the encoded protein sequence. Three of five in-silico tools predict a benign effect of the variant on protein function. The variant was absent in 250224 control chromosomes. The available data on variant occurrences in the general population are insufficient to allow any conclusion about variant significance. To our knowledge, no occurrence of c.322C>A in individuals affected with Thoracic Aortic Aneurysms And Dissections and no experimental evidence demonstrating its impact on protein function have been reported. No submitters have cited clinical-significance assessments for this variant to ClinVar. Based on the evidence outlined above, the variant was classified as uncertain significance.

NM_006258.4(PRKG1):c.322C>A (p.Leu108Ile)

Gene: PRKG1 (protein kinase cGMP-dependent 1; plus strand). Cytogenetic location: 10q21.1.
Variant type: single nucleotide variant.
Coding change: c.322C>A on transcript NM_006258.4 (MANE Select); coding-DNA position 322, C replaced by A.
Protein change: p.Leu108Ile; replaces leucine 108 with isoleucine.
Molecular consequence: missense variant.
Genome position (GRCh38, 1-based): chr10:51,153,174, C>A. VCF-style: chr10-51153174-C-A. GRCh37 (hg19) VCF-style: chr10-52912934-C-A.
Other names: c.277C>A, p.Leu93Ile (NM_001098512.3); c.322C>A, p.Leu108Ile (NM_001374782.1); short protein forms L108I, L93I.
Identifiers: ClinVar variation 3251691 (VCV003251691.1), dbSNP rs1308723236.